The following is an entry in ClinVar:

ClinVar aggregate classification (germline): Likely benign. Review status: criteria provided, multiple submitters, no conflicts (2 of 4 stars). 2 submissions from 2 submitters: Likely benign (2). Last evaluated 2018-06-16.

Allele frequency attached by ClinVar (database versions not stated): TOPMed 0.01235; gnomAD 0.01245 and 0.01379; 1000 Genomes Project 30x 0.01593; 1000 Genomes Project 0.01677; gnomAD exomes 0.02015.
gnomAD v4.1: 17,444 of 921,760 alleles (1.9%); highest among the groups gnomAD compares: South Asian, 3.7%; 241 homozygotes.

Submissions (2):

GeneDx
Classification: Likely benign. Last evaluated: 2018-06-16. Review status: criteria provided, single submitter. Criteria: GeneDx Variant Classification (06012015). Collection method: clinical testing. Allele origin: germline. Affected: yes.
Comment: This variant is considered likely benign or benign based on one or more of the following criteria: it is a conservative change, it occurs at a poorly conserved position in the protein, it is predicted to be benign by multiple in silico algorithms, and/or has population frequency not consistent with disease.

Breakthrough Genomics
Classification: Likely benign. Review status: criteria provided, single submitter. Criteria: ACMG Guidelines, 2015. Collection method: not provided. Allele origin: germline. Inheritance: Autosomal recessive inheritance. Affected: yes.

NM_018718.3(CEP41):c.642+84A>G

Gene: CEP41 (centrosomal protein 41; minus strand). Cytogenetic location: 7q32.2.
Variant type: single nucleotide variant.
Coding change: c.642+84A>G on transcript NM_018718.3 (MANE Select); 84 bases into the intron after coding-DNA position 642, A replaced by G.
Molecular consequence: intron variant.
Genome position (GRCh38, 1-based): chr7:130,401,797, T>C on the plus strand (A>G on the coding strand, the complement: CEP41 is on the minus strand). VCF-style: chr7-130401797-T-C. GRCh37 (hg19) VCF-style: chr7-130041638-T-C.
Other names: c.594+84A>G (NM_001257159.2); c.642+84A>G (NM_001257158.2).
Identifiers: ClinVar variation 675901 (VCV000675901.2), dbSNP rs17164953, ClinGen allele CA12598163.